The following is an entry in ClinVar:

NM_020944.3(GBA2):c.1196G>C (p.Arg399Pro)

Gene: GBA2 (glucosylceramidase beta 2; minus strand). Cytogenetic location: 9p13.3.
Variant type: single nucleotide variant.
Coding change: c.1196G>C on transcript NM_020944.3 (MANE Select); coding-DNA position 1196, G replaced by C.
Protein change: p.Arg399Pro; replaces arginine 399 with proline.
Molecular consequence: missense variant.
Genome position (GRCh38, 1-based): chr9:35,740,296, C>G on the plus strand (G>C on the coding strand, the complement: GBA2 is on the minus strand). VCF-style: chr9-35740296-C-G. GRCh37 (hg19) VCF-style: chr9-35740293-C-G.
Other names: c.1196G>C, p.Arg399Pro (NM_001330660.2); short protein forms R399P.
Identifiers: ClinVar variation 241327 (VCV000241327.67), dbSNP rs142607078, ClinGen allele CA5050485.

ClinVar aggregate classification (germline): Conflicting classifications of pathogenicity. Review status: criteria provided, conflicting classifications (1 of 4 stars). 10 submissions from 10 submitters: Uncertain significance (1); Benign (1); Likely benign (5). 3 of the submissions do not count toward it. Last evaluated 2026-07-01.

Conditions:
GBA2-related disorder. Also called: GBA2-related condition.
Spastic paraplegia. Identifiers: MedGen C0037772, HP:0001258.
Hereditary spastic paraplegia. Also called: Familial spastic paraparesis. Identifiers: Orphanet 685, MedGen C0037773, MONDO:0019064. Disease mechanism: loss of function.

Allele frequency attached by ClinVar (database versions not stated): ESP Exome Variant Server 0.00138; TOPMed 0.00143.
gnomAD v4.1: 3,644 of 1,613,942 alleles (0.23%); highest among the groups gnomAD compares: Non-Finnish European, 0.29%; 8 homozygotes.

Submissions (10):

CeGaT Center for Human Genetics Tuebingen
Classification: Likely benign. Last evaluated: 2026-07-01. Review status: criteria provided, single submitter. Criteria: CeGaT Center For Human Genetics Tuebingen Variant Classification Criteria Version 2. Collection method: clinical testing. Allele origin: germline. Affected: yes. Observed: 7 variant alleles.
Comment: GBA2: BP4, BS2

Labcorp Genetics (formerly Invitae), Labcorp
Classification: Likely benign for Spastic paraplegia. Last evaluated: 2025-12-23. Review status: criteria provided, single submitter. Criteria: Invitae Variant Classification Sherloc (09022015). Collection method: clinical testing. Allele origin: germline.

PreventionGenetics, part of Exact Sciences
Classification: Likely benign for GBA2-related condition. Last evaluated: 2025-02-18. Review status: criteria provided, single submitter. Criteria: ACMG Guidelines, 2015. Collection method: clinical testing. Allele origin: germline.
Comment: This variant is classified as likely benign based on ACMG/AMP sequence variant interpretation guidelines (Richards et al. 2015 PMID: 25741868, with internal and published modifications).

Blueprint Genetics
Classification: Likely benign. Last evaluated: 2024-11-27. Review status: criteria provided, single submitter. Criteria: ACMG Guidelines, 2015. Collection method: clinical testing. Allele origin: germline.

Mayo Clinic Laboratories, Mayo Clinic
Classification: Benign. Last evaluated: 2024-05-07. Review status: criteria provided, single submitter. Criteria: ACMG Guidelines, 2015. Collection method: clinical testing. Allele origin: germline. Observed: 8 variant alleles.
Comment: BS1, BS2, BP4

GeneDx
Classification: Uncertain significance. Last evaluated: 2021-07-30. Review status: criteria provided, single submitter. Criteria: GeneDx Variant Classification Process June 2021. Collection method: clinical testing. Allele origin: germline. Affected: yes.
Comment: Reported in an individual with sporadic spasticity, however, a second variant was not discussed and segregation studies were not provided (Ngo et al., 2019); In silico analysis supports that this missense variant does not alter protein structure/function; This variant is associated with the following publications: (PMID: 31692161)

Genome Diagnostics Laboratory, The Hospital for Sick Children
Classification: Likely benign for Hereditary spastic paraplegia. Last evaluated: 2020-08-11. Review status: criteria provided, single submitter. Criteria: ACMG Guidelines, 2015. Collection method: clinical testing. Allele origin: germline. Affected: yes.

Clinical Genetics DNA and cytogenetics Diagnostics Lab, Erasmus MC, Erasmus Medical Center
Classification: Likely benign. Review status: no assertion criteria provided. Collection method: clinical testing. Allele origin: germline. Affected: yes. Study: VKGL Data-share Consensus. Not counted in ClinVar's aggregate classification.

Genome Diagnostics Laboratory, University Medical Center Utrecht
Classification: Likely benign. Review status: no assertion criteria provided. Collection method: clinical testing. Allele origin: germline. Affected: yes. Study: VKGL Data-share Consensus. Not counted in ClinVar's aggregate classification.

Laboratory of Diagnostic Genome Analysis, Leiden University Medical Center (LUMC)
Classification: Likely benign. Review status: no assertion criteria provided. Collection method: clinical testing. Allele origin: germline. Affected: yes. Study: VKGL Data-share Consensus. Not counted in ClinVar's aggregate classification.